The following is an entry in ClinVar:

ClinVar aggregate classification (germline): Uncertain significance (1 of 4 stars; one submission).

Conditions:
Inborn genetic diseases. Identifiers: MedGen C0950123, MeSH D030342.

Submission:

Ambry Genetics
Classification: Uncertain significance for Inborn genetic diseases. Last evaluated: 2024-12-16. Review status: criteria provided, single submitter. Criteria: Ambry Variant Classification Scheme 2023. Collection method: clinical testing. Allele origin: germline.
Comment: The p.R1491T variant (also known as c.4472G>C), located in coding exon 1 of the SAMD9 gene, results from a G to C substitution at nucleotide position 4472. The arginine at codon 1491 is replaced by threonine, an amino acid with similar properties. This amino acid position is conserved. In addition, this alteration is predicted to be tolerated by in silico analysis. Based on the available evidence, the clinical significance of this variant remains unclear.

NM_017654.4(SAMD9):c.4472G>C (p.Arg1491Thr)

Gene: SAMD9 (sterile alpha motif domain containing 9; minus strand). Cytogenetic location: 7q21.2.
Variant type: single nucleotide variant.
Coding change: c.4472G>C on transcript NM_017654.4 (MANE Select); coding-DNA position 4472, G replaced by C.
Protein change: p.Arg1491Thr; replaces arginine 1491 with threonine.
Molecular consequence: missense variant.
Genome position (GRCh38, 1-based): chr7:93,101,626, C>G on the plus strand (G>C on the coding strand, the complement: SAMD9 is on the minus strand). VCF-style: chr7-93101626-C-G. GRCh37 (hg19) VCF-style: chr7-92730939-C-G.
Other names: c.4472G>C, p.Arg1491Thr (NM_001193307.2); short protein forms R1491T.
Identifiers: ClinVar variation 3791917 (VCV003791917.1).